The following is an entry in ClinVar:

NM_006947.4(SRP72):c.1529_1532del (p.Asp510fs)

Gene: SRP72 (signal recognition particle 72; plus strand). Cytogenetic location: 4q12.
Variant type: Deletion.
Coding change: c.1529_1532del on transcript NM_006947.4 (MANE Select); coding-DNA positions 1529 to 1532, 4 bases deleted (ATAG; older notation c.1529_1532delATAG).
Protein change: p.Asp510fs; shifts the reading frame from aspartic acid 510.
Molecular consequence: frameshift variant. On other transcripts: non-coding transcript variant (1).
Genome position (GRCh38, 1-based): chr4:56,491,457-56,491,460, ATAG deleted; deleting any 4 consecutive bases within chr4:56,491,455-56,491,460 gives the same sequence; the c. name uses the placement nearest the transcript's 3' end. VCF-style (leftmost placement, unchanged base first): chr4-56491454-CAGAT-C. GRCh37 (hg19) VCF-style: chr4-57357620-CAGAT-C.
Other names: c.1346_1349del, p.Asp449fs (NM_001267722.2); short protein forms D449fs, D510fs.
Identifiers: ClinVar variation 4760453 (VCV004760453.1).

ClinVar aggregate classification (germline): Uncertain significance (1 of 4 stars; one submission).

Submission:

Labcorp Genetics (formerly Invitae), Labcorp
Classification: Uncertain significance. Last evaluated: 2025-05-08. Review status: criteria provided, single submitter. Criteria: Invitae Variant Classification Sherloc (09022015). Collection method: clinical testing. Allele origin: germline.
Comment: This sequence change creates a premature translational stop signal (p.Asp510Valfs*4) in the SRP72 gene. It is expected to result in an absent or disrupted protein product. However, the current clinical and genetic evidence is not sufficient to establish whether loss-of-function variants in SRP72 cause disease. This variant is not present in population databases (gnomAD no frequency). This variant has not been reported in the literature in individuals affected with SRP72-related conditions. Algorithms developed to predict the effect of sequence changes on RNA splicing suggest that this variant may disrupt the consensus splice site. In summary, the available evidence is currently insufficient to determine the role of this variant in disease. Therefore, it has been classified as a Variant of Uncertain Significance.